The following is an entry in ClinVar:

NM_018897.3(DNAH7):c.8425A>G (p.Ile2809Val)

Gene: DNAH7 (dynein axonemal heavy chain 7; minus strand). Cytogenetic location: 2q32.3.
Variant type: single nucleotide variant.
Coding change: c.8425A>G on transcript NM_018897.3 (MANE Select); coding-DNA position 8425, A replaced by G.
Protein change: p.Ile2809Val; replaces isoleucine 2809 with valine.
Molecular consequence: missense variant.
Genome position (GRCh38, 1-based): chr2:195,855,981, T>C on the plus strand (A>G on the coding strand, the complement: DNAH7 is on the minus strand). VCF-style: chr2-195855981-T-C. GRCh37 (hg19) VCF-style: chr2-196720705-T-C.
Other names: short protein forms I2809V.
Identifiers: ClinVar variation 3059498 (VCV003059498.2), dbSNP rs16841018, ClinGen allele CA2034649.
Genomic context (GRCh38, chr2:195,855,981, plus strand): 5'-CCATGGCAATTTTAAGCTCCCCTTCAGCTGCAGCCAGTTTTATCTTTTTGGGAGCTACTA[T>C]TTTTGCCACTCTGCAAAAAGTAAAATTGAAAAATTAAATATTCATTTAATATTCCAGTAC-3'
Protein context (NP_061720.2, residues 2799-2819): AMDSYDKVAK[Ile2809Val]VAPKKIKLAA

ClinVar aggregate classification (germline): Benign (0 of 4 stars; one submission).

Conditions:
DNAH7-related disorder. Also called: DNAH7-related condition.

Allele frequency attached by ClinVar (database versions not stated): gnomAD exomes 0.08785; ExAC 0.09156; 1000 Genomes Project 0.12061; 1000 Genomes Project 30x 0.12211; gnomAD 0.13292; TOPMed 0.14181; ESP Exome Variant Server 0.14502.
gnomAD v4.1: 148,259 of 1,608,784 alleles (9.2%); highest among the groups gnomAD compares: African/African-American, 27%; 8,610 homozygotes.

Submission:

PreventionGenetics, part of Exact Sciences
Classification: Benign for DNAH7-related condition. Last evaluated: 2024-07-29. Review status: no assertion criteria provided. Collection method: clinical testing. Allele origin: germline.
Comment: This variant is classified as benign based on ACMG/AMP sequence variant interpretation guidelines (Richards et al. 2015 PMID: 25741868, with internal and published modifications).